The following is an entry in ClinVar:

NM_000465.4(BARD1):c.316C>T (p.Gln106Ter)

Gene: BARD1 (BRCA1 associated RING domain 1; minus strand). Cytogenetic location: 2q35.
Variant type: single nucleotide variant.
Coding change: c.316C>T on transcript NM_000465.4 (MANE Select); coding-DNA position 316, C replaced by T.
Protein change: p.Gln106Ter; replaces glutamine 106 with a stop codon.
Molecular consequence: nonsense. On other transcripts: non-coding transcript variant (1), intron variant (2).
Genome position (GRCh38, 1-based): chr2:214,792,345, G>A on the plus strand (C>T on the coding strand, the complement: BARD1 is on the minus strand). VCF-style: chr2-214792345-G-A. GRCh37 (hg19) VCF-style: chr2-215657069-G-A.
Other names: c.259C>T, p.Gln87Ter (NM_001282543.2); c.316C>T, p.Gln106Ter (NM_001282549.2); c.158+17067C>T (NM_001282548.2); c.215+4716C>T (NM_001282545.2); c.316C>T (NM_000465.3, NM_000465.2); short protein forms Q87*, Q106*.
Identifiers: ClinVar variation 1400811 (VCV001400811.10), dbSNP rs2106134639, ClinGen allele CA350460922.
Genomic context (GRCh38, chr2:214,792,345, plus strand): 5'-GATAGTTCTTACCTGACAGCTCATTGTCATGTAGCAAATTTCGAAGCTTACTACAAAGTT[G>A]AATCATGCTGTCCAGTTGTCTATTTATCTTCAAGTCTTGTATCCAGGCCGGGGTGTAACA-3'

ClinVar aggregate classification (germline): Pathogenic. Review status: criteria provided, multiple submitters, no conflicts (2 of 4 stars). 4 submissions from 4 submitters: Pathogenic (4). Last evaluated 2026-04-21.

Conditions:
BARD1-related cancer predisposition. Identifiers: MedGen CN377756, MONDO:0700267.
Hereditary cancer-predisposing syndrome. Also called: Tumor predisposition; Neoplastic Syndromes, Hereditary; Hereditary Cancer Syndrome; Hereditary neoplastic syndrome. Identifiers: Orphanet 140162, MedGen C0027672, MeSH D009386, MONDO:0015356.
Familial cancer of breast. Also called: BREAST CANCER, FAMILIAL; Hereditary breast cancer; hereditary breast carcinoma. Identifiers: Orphanet 227535, MedGen C0346153, MONDO:0016419, OMIM 114480. Disease mechanism: loss of function.

Submissions (4):

Ambry Genetics
Classification: Pathogenic for Hereditary cancer-predisposing syndrome. Last evaluated: 2026-04-21. Review status: criteria provided, single submitter. Criteria: Ambry Variant Classification Scheme 2023. Collection method: clinical testing. Allele origin: germline.
Comment: The p.Q106* pathogenic mutation (also known as c.316C>T), located in coding exon 3 of the BARD1 gene, results from a C to T substitution at nucleotide position 316. This changes the amino acid from a glutamine to a stop codon within coding exon 3. This variant is considered to be rare based on population cohorts in the Genome Aggregation Database (gnomAD). This alteration is expected to result in loss of function by premature protein truncation or nonsense-mediated mRNA decay. As such, this alteration is interpreted as a disease-causing mutation.

Myriad Genetics, Inc.
Classification: Pathogenic for Familial cancer of breast. Last evaluated: 2023-05-18. Review status: criteria provided, single submitter. Criteria: Myriad Autosomal Dominant, Autosomal Recessive and X-Linked Classification Criteria (2023). Collection method: clinical testing. Allele origin: unknown.
Comment: This variant is considered pathogenic. This variant creates a termination codon and is predicted to result in premature protein truncation.

Department of Pathology and Laboratory Medicine, Sinai Health System
Classification: Pathogenic for BARD1-related cancer predisposition. Last evaluated: 2021-12-13. Review status: criteria provided, single submitter. Criteria: ACMG Guidelines, 2015. Collection method: clinical testing. Allele origin: germline. Affected: yes.

Labcorp Genetics (formerly Invitae), Labcorp
Classification: Pathogenic for Familial cancer of breast. Last evaluated: 2021-07-15. Review status: criteria provided, single submitter. Criteria: Invitae Variant Classification Sherloc (09022015). Collection method: clinical testing. Allele origin: germline.
Comment: For these reasons, this variant has been classified as Pathogenic. This variant has not been reported in the literature in individuals affected with BARD1-related conditions. This variant is not present in population databases (ExAC no frequency). This sequence change creates a premature translational stop signal (p.Gln106*) in the BARD1 gene. It is expected to result in an absent or disrupted protein product. Loss-of-function variants in BARD1 are known to be pathogenic (PMID: 20077502, 21344236).

Literature cited by the submitters: PubMed 20077502 (cited by Labcorp Genetics (formerly Invitae), Labcorp); PubMed 21344236 (cited by Labcorp Genetics (formerly Invitae), Labcorp).